The following is an entry in ClinVar:

NM_004715.5(CTDP1):c.170C>G (p.Ser57Cys)

Gene: CTDP1 (CTD phosphatase subunit 1; plus strand). Cytogenetic location: 18q23.
Variant type: single nucleotide variant.
Coding change: c.170C>G on transcript NM_004715.5 (MANE Select); coding-DNA position 170, C replaced by G.
Protein change: p.Ser57Cys; replaces serine 57 with cysteine.
Molecular consequence: missense variant.
Genome position (GRCh38, 1-based): chr18:79,680,117, C>G. VCF-style: chr18-79680117-C-G. GRCh37 (hg19) VCF-style: chr18-77440117-C-G.
Other names: c.170C>G, p.Ser57Cys (NM_001318511.2, NM_048368.4); short protein forms S57C.
Identifiers: ClinVar variation 1163615 (VCV001163615.11), dbSNP rs1337494266, ClinGen allele CA402825100.

ClinVar aggregate classification (germline): Uncertain significance. Review status: criteria provided, multiple submitters, no conflicts (2 of 4 stars). 3 submissions from 3 submitters: Uncertain significance (3). Last evaluated 2025-08-08.

Allele frequency attached by ClinVar (database versions not stated): gnomAD 0.00001; gnomAD exomes 0.00001; TOPMed 0.00001.
gnomAD v4.1: 10 of 1,423,334 alleles (0.0007%); highest among the groups gnomAD compares: African/African-American, 0.0015%; no homozygotes.

Submissions (3):

Ambry Genetics
Classification: Uncertain significance. Last evaluated: 2025-08-08. Review status: criteria provided, single submitter. Criteria: Ambry Variant Classification Scheme 2023. Collection method: clinical testing. Allele origin: germline.

Labcorp Genetics (formerly Invitae), Labcorp
Classification: Uncertain significance. Last evaluated: 2022-03-14. Review status: criteria provided, single submitter. Criteria: Invitae Variant Classification Sherloc (09022015). Collection method: clinical testing. Allele origin: germline.
Comment: In summary, the available evidence is currently insufficient to determine the role of this variant in disease. Therefore, it has been classified as a Variant of Uncertain Significance. Algorithms developed to predict the effect of missense changes on protein structure and function are either unavailable or do not agree on the potential impact of this missense change (SIFT: "Deleterious"; PolyPhen-2: "Possibly Damaging"; Align-GVGD: "Class C15"). ClinVar contains an entry for this variant (Variation ID: 1163615). This variant has not been reported in the literature in individuals affected with CTDP1-related conditions. This variant is not present in population databases (gnomAD no frequency). This sequence change replaces serine, which is neutral and polar, with cysteine, which is neutral and slightly polar, at codon 57 of the CTDP1 protein (p.Ser57Cys).

Mayo Clinic Laboratories, Mayo Clinic
Classification: Uncertain significance. Last evaluated: 2020-02-27. Review status: criteria provided, single submitter. Criteria: ACMG Guidelines, 2015. Collection method: clinical testing. Allele origin: germline. Observed: 1 variant allele.